The following is an entry in ClinVar:

NM_014044.7(UNC50):c.360A>G (p.Ile120Met)

Gene: UNC50 (unc-50 inner nuclear membrane RNA binding protein; plus strand). Cytogenetic location: 2q11.2.
Variant type: single nucleotide variant.
Coding change: c.360A>G on transcript NM_014044.7 (MANE Select); coding-DNA position 360, A replaced by G.
Protein change: p.Ile120Met; replaces isoleucine 120 with methionine.
Molecular consequence: missense variant.
Genome position (GRCh38, 1-based): chr2:98,610,854, A>G. VCF-style: chr2-98610854-A-G. GRCh37 (hg19) VCF-style: chr2-99227317-A-G.
Other names: c.360A>G, p.Ile120Met (NM_001330353.2); c.411A>G, p.Ile137Met (NM_001330354.2); c.360A>G (NM_014044.5); short protein forms I120M, I137M.
Identifiers: ClinVar variation 982439 (VCV000982439.2), dbSNP rs750243321, ClinGen allele CA52677734.

ClinVar aggregate classification (germline): Uncertain significance. Review status: criteria provided, multiple submitters, no conflicts (2 of 4 stars). 2 submissions from 2 submitters: Uncertain significance (2). Last evaluated 2025-03-18.

Allele frequency attached by ClinVar (database versions not stated): TOPMed below 0.00001; gnomAD 0.00001; gnomAD exomes 0.00002 and 0.00001.
gnomAD v4.1: 25 of 1,614,064 alleles (0.0015%); highest among the groups gnomAD compares: Non-Finnish European, 0.002%; no homozygotes.

Submissions (2):

Ambry Genetics
Classification: Uncertain significance. Last evaluated: 2025-03-18. Review status: criteria provided, single submitter. Criteria: Ambry Variant Classification Scheme 2023. Collection method: clinical testing. Allele origin: germline.

HudsonAlpha Institute for Biotechnology
Classification: Uncertain significance. Last evaluated: 2020-03-17. Review status: criteria provided, single submitter. Criteria: ACMG Guidelines, 2015. Collection method: research. Allele origin: paternal. Observed: 1 variant allele. Study: CSER-SouthSeq.
Comment: ACMG codes:PM2; PP3